The following is an entry in ClinVar:

ClinVar aggregate classification (germline): Uncertain significance. Review status: criteria provided, single submitter (1 of 4 stars). 2 submissions from 2 submitters: Uncertain significance (1). 1 of the submissions does not count toward it. Last evaluated 2021-08-30.

Conditions:
Primary ciliary dyskinesia. Also called: Ciliary dyskinesia. Identifiers: Orphanet 244, MedGen C0008780, MONDO:0016575, HP:0012265.

Allele frequency attached by ClinVar (database versions not stated): gnomAD 0.00001; gnomAD exomes 0.00002; TOPMed 0.00002.
gnomAD v4.1: 34 of 1,613,742 alleles (0.0021%); highest among the groups gnomAD compares: Non-Finnish European, 0.0025%; no homozygotes.

Submissions (2):

Labcorp Genetics (formerly Invitae), Labcorp
Classification: Uncertain significance for Primary ciliary dyskinesia. Last evaluated: 2021-08-30. Review status: criteria provided, single submitter. Criteria: Invitae Variant Classification Sherloc (09022015). Collection method: clinical testing. Allele origin: germline.
Comment: This sequence change replaces arginine with glutamine at codon 3096 of the DNAH5 protein (p.Arg3096Gln). The arginine residue is highly conserved and there is a small physicochemical difference between arginine and glutamine. This variant is not present in population databases (ExAC no frequency). This variant has not been reported in the literature in individuals affected with DNAH5-related conditions. Algorithms developed to predict the effect of missense changes on protein structure and function are either unavailable or do not agree on the potential impact of this missense change (SIFT: "Deleterious"; PolyPhen-2: "Possibly Damaging"; Align-GVGD: "Class C0"). In summary, the available evidence is currently insufficient to determine the role of this variant in disease. Therefore, it has been classified as a Variant of Uncertain Significance.

Natera, Inc.
Classification: Uncertain significance for Primary ciliary dyskinesia. Last evaluated: 2020-09-16. Review status: no assertion criteria provided. Collection method: clinical testing. Allele origin: germline. Not counted in ClinVar's aggregate classification.

NM_001369.3(DNAH5):c.9287G>A (p.Arg3096Gln)

Gene: DNAH5 (dynein axonemal heavy chain 5; minus strand). Cytogenetic location: 5p15.2.
Variant type: single nucleotide variant.
Coding change: c.9287G>A on transcript NM_001369.3 (MANE Select); coding-DNA position 9287, G replaced by A.
Protein change: p.Arg3096Gln; replaces arginine 3096 with glutamine.
Molecular consequence: missense variant.
Genome position (GRCh38, 1-based): chr5:13,776,525, C>T on the plus strand (G>A on the coding strand, the complement: DNAH5 is on the minus strand). VCF-style: chr5-13776525-C-T. GRCh37 (hg19) VCF-style: chr5-13776634-C-T.
Other names: short protein forms R3096Q.
Identifiers: ClinVar variation 454818 (VCV000454818.7), dbSNP rs1388732051, ClinGen allele CA359208463.